The following is an entry in ClinVar:

NM_001130144.3(LTBP3):c.2339dup (p.Arg781fs)

Genes: LTBP3 (latent transforming growth factor beta binding protein 3; minus strand), LOC130006029 (ATAC-STARR-seq lymphoblastoid silent region 3532; plus strand). Cytogenetic location: 11q13.1.
Variant type: Duplication.
Coding change: c.2339dup on transcript NM_001130144.3 (MANE Select); coding-DNA position 2339, one base duplicated (G; older notation c.2339dupG).
Protein change: p.Arg781fs; shifts the reading frame from arginine 781.
Molecular consequence: frameshift variant.
Genome position (GRCh38, 1-based): chr11:65,546,456, C duplicated on the plus strand (G on the coding strand, the reverse complement: LTBP3 is on the minus strand); the first of 2 consecutive C bases (chr11:65,546,456-65,546,457); duplicating either gives the same sequence. VCF-style (leftmost placement, unchanged base first): chr11-65546455-G-GC. GRCh37 (hg19) VCF-style: chr11-65313926-G-GC.
Other names: c.1988dup, p.Arg664fs (NM_001164266.1); c.2339dup, p.Arg781fs (NM_021070.4); short protein forms R781fs, R664fs.
Identifiers: ClinVar variation 4999277 (VCV004999277.1).

ClinVar aggregate classification (germline): Likely pathogenic (1 of 4 stars; one submission).

Conditions:
LTBP3-related disorder. Also called: LTBP3-related condition.

Submission:

PreventionGenetics, part of Exact Sciences
Classification: Likely pathogenic for LTBP3-related condition. Last evaluated: 2026-06-30. Review status: criteria provided, single submitter. Criteria: ACMG Guidelines, 2015. Collection method: clinical testing. Allele origin: germline.
Comment: The LTBP3 c.2339dupG variant is predicted to result in a frameshift and premature protein termination (p.Arg781Profs*10). To our knowledge, this variant has not been reported in the literature or in a large population database (gnomAD), indicating this variant is rare. Frameshift variants in LTBP3 are expected to be pathogenic. This variant is interpreted as likely pathogenic.